The following is an entry in ClinVar:

NM_007126.5(VCP):c.397G>T (p.Val133Leu)

Gene: VCP (valosin containing protein; minus strand). Cytogenetic location: 9p13.3.
Variant type: single nucleotide variant.
Coding change: c.397G>T on transcript NM_007126.5 (MANE Select); coding-DNA position 397, G replaced by T.
Protein change: p.Val133Leu; replaces valine 133 with leucine.
Molecular consequence: missense variant.
Genome position (GRCh38, 1-based): chr9:35,066,723, C>A on the plus strand (G>T on the coding strand, the complement: VCP is on the minus strand). VCF-style: chr9-35066723-C-A. GRCh37 (hg19) VCF-style: chr9-35066720-C-A.
Other names: p.(Val133Leu); NM_007126.5(VCP):c.397G>T; p.Val133Leu; c.262G>T, p.Val88Leu (NM_001354927.2, NM_001354928.2); short protein forms V133L, V88L.
Identifiers: ClinVar variation 2154906 (VCV002154906.7), dbSNP rs775567003, ClinGen allele CA5039490.

ClinVar aggregate classification (germline): Uncertain significance. Review status: criteria provided, multiple submitters, no conflicts (2 of 4 stars). 3 submissions from 3 submitters: Uncertain significance (2). 1 of the submissions does not count toward it. Last evaluated 2025-06-23.

Conditions:
Inclusion body myopathy with Paget disease of bone and frontotemporal dementia. Also called: Inclusion body myopathy with early-onset Paget disease and frontotemporal dementia. Identifiers: Orphanet 52430, MedGen C1833662, MONDO:0000507.
Frontotemporal dementia and/or amyotrophic lateral sclerosis 6 (FTDALS6). Also called: VCP-Related Amyotrophic Lateral Sclerosis; VCP-Related Amyotrophic Lateral Sclerosis/Frontotemporal Dementia. Identifiers: Orphanet 275872, Orphanet 803, MedGen C5436279, MONDO:0013501, OMIM 613954.
Inclusion body myopathy with Paget disease of bone and frontotemporal dementia type 1. Also called: Inclusion body myopathy with early-onset Paget disease with or without frontotemporal dementia 1; MULTISYSTEM PROTEINOPATHY 1; Inclusion body myopathy with early-onset Paget disease and frontotemporal dementia 1. Identifiers: MedGen C4551951, MONDO:0008178, OMIM 167320.

Allele frequency attached by ClinVar (database versions not stated): ExAC 0.00001.
gnomAD v4.1: 1 of 1,614,146 alleles (0.000062%); highest among the groups gnomAD compares: South Asian, 0.0011%; no homozygotes.

Submissions (3):

Broad Center for Mendelian Genomics, Broad Institute of MIT and Harvard
Classification: Uncertain significance for Inclusion body myopathy with Paget disease of bone and frontotemporal dementia. Last evaluated: 2025-06-23. Review status: criteria provided, single submitter. Criteria: ACMG Guidelines, 2015. Collection method: curation. Allele origin: germline. Inheritance: Autosomal dominant inheritance. Study: GREGoR Consortium.
Comment: The p.Val133Leu variant in VCP has not been previously reported in the literature in individuals with inclusion body myopathy with early-onset Paget disease and frontotemporal dementia, and has been identified in 0.001% (1/91084) of South Asian chromosomes by the Genome Aggregation Database (gnomAD; dbSNP rs775567003). Although this variant has been seen in the general population in a heterozygous state, its frequency is not high enough to rule out a pathogenic role. Pathogenic variants may be present at a low frequency in the general population, for diseases with clinical variability, or reduced penetrance. This variant has been reported in ClinVar (Variation ID: 2154906) and has been interpreted as a variant of uncertain significance by Labcorp Genetics (formerly Invitae) and Undiagnosed Diseases Network. Computational prediction tools and conservation analyses do not provide strong support for or against an impact to the protein. The number of missense variants reported in VCP in the general population is lower than expected, suggesting there is little benign variation in this gene and slightly increasing the possibility that a missense variant in this gene may not be tolerated. In summary, the clinical significance of the p.Val133Leu variant is uncertain. ACMG/AMP Criteria applied: PP2, PM2_supporting (Richards 2015).

Labcorp Genetics (formerly Invitae), Labcorp
Classification: Uncertain significance for Inclusion body myopathy with Paget disease of bone and frontotemporal dementia; Frontotemporal dementia and/or amyotrophic lateral sclerosis 6. Last evaluated: 2023-10-03. Review status: criteria provided, single submitter. Criteria: Invitae Variant Classification Sherloc (09022015). Collection method: clinical testing. Allele origin: germline.
Comment: This sequence change replaces valine, which is neutral and non-polar, with leucine, which is neutral and non-polar, at codon 133 of the VCP protein (p.Val133Leu). This variant is present in population databases (rs775567003, gnomAD 0.003%). This variant has not been reported in the literature in individuals affected with VCP-related conditions. ClinVar contains an entry for this variant (Variation ID: 2154906). Advanced modeling of protein sequence and biophysical properties (such as structural, functional, and spatial information, amino acid conservation, physicochemical variation, residue mobility, and thermodynamic stability) performed at Invitae indicates that this missense variant is not expected to disrupt VCP protein function. In summary, the available evidence is currently insufficient to determine the role of this variant in disease. Therefore, it has been classified as a Variant of Uncertain Significance.

Undiagnosed Diseases Network, NIH
Classification: Uncertain significance for Inclusion body myopathy with Paget disease of bone and frontotemporal dementia type 1. Last evaluated: 2024-04-03. Review status: no assertion criteria provided. Collection method: clinical testing. Allele origin: unknown. Affected: yes. Observed: 1 variant allele, 1 heterozygote. Study: Undiagnosed Diseases Network (NIH), UDN. Not counted in ClinVar's aggregate classification.